The following is an entry in ClinVar:

ClinVar aggregate classification (germline): Conflicting classifications of pathogenicity. Review status: criteria provided, conflicting classifications (1 of 4 stars). 7 submissions from 6 submitters: Uncertain significance (4); Likely benign (3). Last evaluated 2025-09-02.

Conditions:
Schwartz-Jampel syndrome type 1 (SJS1). Also called: MYOTONIC MYOPATHY, DWARFISM, CHONDRODYSTROPHY, AND OCULAR AND FACIAL ABNORMALITIES; CHONDRODYSTROPHIC MYOTONIA. Identifiers: MedGen C4551479, MONDO:0100435, OMIM 255800.
Lethal Kniest-like syndrome (DDSH). Also called: Dyssegmental Dysplasia. Identifiers: Orphanet 1865, MedGen C1857100, MONDO:0009140, OMIM 224410.
Schwartz-Jampel syndrome. Also called: Myotonic myopathy dwarfism chondrodystrophy and ocular and facial abnormalities. Identifiers: Orphanet 800, MedGen C0036391, MONDO:0009717.

Allele frequency attached by ClinVar (database versions not stated): gnomAD 0.00006; ExAC 0.00010; TOPMed 0.00017; 1000 Genomes Project 0.00020; 1000 Genomes Project 30x 0.00031.
gnomAD v4.1: 74 of 1,552,728 alleles (0.0048%); highest among the groups gnomAD compares: African/African-American, 0.033%; 1 homozygote.

Submissions (7):

Labcorp Genetics (formerly Invitae), Labcorp
Classification: Likely benign. Last evaluated: 2025-09-02. Review status: criteria provided, single submitter. Criteria: Invitae Variant Classification Sherloc (09022015). Collection method: clinical testing. Allele origin: germline.

Blueprint Genetics
Classification: Likely benign. Last evaluated: 2024-09-23. Review status: criteria provided, single submitter. Criteria: ACMG Guidelines, 2015. Collection method: clinical testing. Allele origin: germline.

CeGaT Center for Human Genetics Tuebingen
Classification: Likely benign. Last evaluated: 2023-07-01. Review status: criteria provided, single submitter. Criteria: CeGaT Center For Human Genetics Tuebingen Variant Classification Criteria Version 2. Collection method: clinical testing. Allele origin: germline. Affected: yes. Observed: 1 variant allele.
Comment: HSPG2: BP4, BP7

Fulgent Genetics
Classification: Uncertain significance for Lethal Kniest-like syndrome; Schwartz-Jampel syndrome type 1. Last evaluated: 2021-08-06. Review status: criteria provided, single submitter. Criteria: ACMG Guidelines, 2015. Collection method: clinical testing. Allele origin: unknown.

Eurofins Ntd Llc (ga)
Classification: Uncertain significance. Last evaluated: 2018-03-02. Review status: criteria provided, single submitter. Criteria: EGL ClinVar v180209 classification definitions. Collection method: clinical testing. Allele origin: germline. Observed: 1 variant allele, 1 heterozygote.

Illumina Laboratory Services, Illumina
Classification: Uncertain significance for Schwartz-Jampel syndrome type 1. Last evaluated: 2018-01-13. Review status: criteria provided, single submitter. Criteria: ICSL Variant Classification Criteria 13 December 2019. Collection method: clinical testing. Allele origin: germline.

Illumina Laboratory Services, Illumina
Classification: Uncertain significance for Lethal Kniest-like syndrome. Last evaluated: 2018-01-13. Review status: criteria provided, single submitter. Criteria: ICSL Variant Classification Criteria 13 December 2019. Collection method: clinical testing. Allele origin: germline.

NM_005529.7(HSPG2):c.12195G>A (p.Pro4065=)

Gene: HSPG2 (heparan sulfate proteoglycan 2; minus strand). Cytogenetic location: 1p36.12.
Variant type: single nucleotide variant.
Coding change: c.12195G>A on transcript NM_005529.7 (MANE Select); coding-DNA position 12195, G replaced by A.
Protein change: p.Pro4065=; no amino-acid change (proline 4065 retained).
Molecular consequence: synonymous variant.
Genome position (GRCh38, 1-based): chr1:21,828,877, C>T on the plus strand (G>A on the coding strand, the complement: HSPG2 is on the minus strand). VCF-style: chr1-21828877-C-T. GRCh37 (hg19) VCF-style: chr1-22155370-C-T.
Other names: c.12198G>A, p.Pro4066= (NM_001291860.2).
Identifiers: ClinVar variation 596005 (VCV000596005.41), dbSNP rs573932867, ClinGen allele CA669503.